The following is an entry in ClinVar:

ClinVar aggregate classification (germline): Uncertain significance. Review status: criteria provided, multiple submitters, no conflicts (2 of 4 stars). 3 submissions from 3 submitters: Uncertain significance (3). Last evaluated 2024-01-15.

Conditions:
Progressive myoclonic epilepsy. Also called: Myoclonus epilepsy; Familial progressive myoclonic epilepsy; Progressive myoclonus epilepsy; Myoclonic Epilepsies, Progressive. Identifiers: Orphanet 308, Orphanet 98261, MedGen C0751778, MONDO:0020074.
Action myoclonus-renal failure syndrome. Also called: MYOCLONUS-NEPHROPATHY SYNDROME; EPILEPSY, PROGRESSIVE MYOCLONIC, 4, WITH RENAL FAILURE; EPILEPSY, PROGRESSIVE MYOCLONIC, 4, WITHOUT RENAL FAILURE; SCARB2-Related Action Myoclonus-Renal Failure Syndrome. Identifiers: Orphanet 163696, MedGen C0751779, MeSH D020191, MONDO:0009699, OMIM 254900.

Allele frequency attached by ClinVar (database versions not stated): TOPMed 0.00001; gnomAD 0.00003; ExAC 0.00001; gnomAD exomes 0.00001.
gnomAD v4.1: 15 of 1,613,898 alleles (0.00093%); highest among the groups gnomAD compares: South Asian, 0.0022%; no homozygotes.

Submissions (3):

Labcorp Genetics (formerly Invitae), Labcorp
Classification: Uncertain significance for Progressive myoclonic epilepsy. Last evaluated: 2024-01-15. Review status: criteria provided, single submitter. Criteria: Invitae Variant Classification Sherloc (09022015). Collection method: clinical testing. Allele origin: germline.
Comment: This sequence change replaces glutamic acid, which is acidic and polar, with lysine, which is basic and polar, at codon 175 of the SCARB2 protein (p.Glu175Lys). This variant is present in population databases (rs751711805, gnomAD 0.005%). This variant has not been reported in the literature in individuals affected with SCARB2-related conditions. ClinVar contains an entry for this variant (Variation ID: 206710). Advanced modeling of protein sequence and biophysical properties (such as structural, functional, and spatial information, amino acid conservation, physicochemical variation, residue mobility, and thermodynamic stability) performed at Invitae indicates that this missense variant is not expected to disrupt SCARB2 protein function with a negative predictive value of 80%. In summary, the available evidence is currently insufficient to determine the role of this variant in disease. Therefore, it has been classified as a Variant of Uncertain Significance.

Fulgent Genetics
Classification: Uncertain significance for Action myoclonus-renal failure syndrome. Last evaluated: 2021-10-27. Review status: criteria provided, single submitter. Criteria: ACMG Guidelines, 2015. Collection method: clinical testing. Allele origin: unknown.

GeneDx
Classification: Uncertain significance. Last evaluated: 2014-05-19. Review status: criteria provided, single submitter. Criteria: GeneDx Variant Classification (06012015). Collection method: clinical testing. Allele origin: germline. Affected: yes.
Comment: p.Glu175Lys (GAA>AAA): c.523 G>A in exon 4 of the SCARB2 gene (NM_005506.3) A variant of unknown significance has been identified in the SCARB2 gene. The E175K variant has not been published as a mutation, nor has it been reported as a benign polymorphism to our knowledge. It was not observed in approximately 6,500 individuals of European and African American ancestry in the NHLBI Exome Sequencing Project, indicating it is not a common benign variant in these populations. The E175K variant is a non-conservative amino acid substitution, which is likely to impact secondary protein structure as these residues differ in polarity, charge, size and/or other properties. This substitution occurs at a conserved position in the lumenal domain of the protein, and in silico analysis predicts this variant is probably damaging to the protein structure/function. However, no missense mutations at nearby residues in association with epilepsy. Therefore, based on the currently available information, it is unclear whether this variant is a pathogenic mutation or a rare benign variant.The variant is found in EPILEPSY panel(s).

NM_005506.4(SCARB2):c.523G>A (p.Glu175Lys)

Gene: SCARB2 (scavenger receptor class B member 2; minus strand). Cytogenetic location: 4q21.1.
Variant type: single nucleotide variant.
Coding change: c.523G>A on transcript NM_005506.4 (MANE Select); coding-DNA position 523, G replaced by A.
Protein change: p.Glu175Lys; replaces glutamic acid 175 with lysine.
Molecular consequence: missense variant. On other transcripts: intron variant (1).
Genome position (GRCh38, 1-based): chr4:76,179,606, C>T on the plus strand (G>A on the coding strand, the complement: SCARB2 is on the minus strand). VCF-style: chr4-76179606-C-T. GRCh37 (hg19) VCF-style: chr4-77100759-C-T.
Other names: p.E175K:GAA>AAA; c.276-3696G>A (NM_001204255.2); short protein forms E175K.
Identifiers: ClinVar variation 206710 (VCV000206710.10), dbSNP rs751711805, ClinGen allele CA317066.